The following is an entry in ClinVar:

NM_006939.4(SOS2):c.817C>G (p.Pro273Ala)

Gene: SOS2 (SOS Ras/Rho guanine nucleotide exchange factor 2; minus strand). Cytogenetic location: 14q21.3.
Variant type: single nucleotide variant.
Coding change: c.817C>G on transcript NM_006939.4 (MANE Select); coding-DNA position 817, C replaced by G.
Protein change: p.Pro273Ala; replaces proline 273 with alanine.
Molecular consequence: missense variant.
Genome position (GRCh38, 1-based): chr14:50,182,504, G>C on the plus strand (C>G on the coding strand, the complement: SOS2 is on the minus strand). VCF-style: chr14-50182504-G-C. GRCh37 (hg19) VCF-style: chr14-50649222-G-C.
Other names: c.817C>G, p.Pro273Ala (NM_001411020.1); short protein forms P273A.
Identifiers: ClinVar variation 2126246 (VCV002126246.4), dbSNP rs939707624, ClinGen allele CA260708404.

ClinVar aggregate classification (germline): Uncertain significance (1 of 4 stars; one submission).

Conditions:
Noonan syndrome 9 (NS9). Identifiers: Orphanet 648, MedGen C4225282, MONDO:0014691, OMIM 616559.

Allele frequency attached by ClinVar (database versions not stated): gnomAD exomes below 0.00001; TOPMed below 0.00001.
gnomAD v4.1: 3 of 1,613,694 alleles (0.00019%); highest among the groups gnomAD compares: Non-Finnish European, 0.00025%; no homozygotes.

Submission:

Labcorp Genetics (formerly Invitae), Labcorp
Classification: Uncertain significance for Noonan syndrome 9. Last evaluated: 2023-11-10. Review status: criteria provided, single submitter. Criteria: Invitae Variant Classification Sherloc (09022015). Collection method: clinical testing. Allele origin: germline.
Comment: This sequence change replaces proline, which is neutral and non-polar, with alanine, which is neutral and non-polar, at codon 273 of the SOS2 protein (p.Pro273Ala). This variant is not present in population databases (gnomAD no frequency). This variant has not been reported in the literature in individuals affected with SOS2-related conditions. ClinVar contains an entry for this variant (Variation ID: 2126246). Advanced modeling of protein sequence and biophysical properties (such as structural, functional, and spatial information, amino acid conservation, physicochemical variation, residue mobility, and thermodynamic stability) has been performed at Invitae for this missense variant, however the output from this modeling did not meet the statistical confidence thresholds required to predict the impact of this variant on SOS2 protein function. In summary, the available evidence is currently insufficient to determine the role of this variant in disease. Therefore, it has been classified as a Variant of Uncertain Significance.